The following is an entry in ClinVar:

ClinVar aggregate classification (germline): Conflicting classifications of pathogenicity. Review status: criteria provided, conflicting classifications (1 of 4 stars). 4 submissions from 4 submitters: Uncertain significance (3); Likely benign (1). Last evaluated 2025-12-24.

Conditions:
Hereditary cancer-predisposing syndrome. Also called: Neoplastic Syndromes, Hereditary; Hereditary Cancer Syndrome; Tumor predisposition; Hereditary neoplastic syndrome. Identifiers: Orphanet 140162, MedGen C0027672, MeSH D009386, MONDO:0015356.
Ataxia-telangiectasia syndrome (AT). Also called: Cerebello-oculocutaneous telangiectasia; Immunodeficiency with ataxia telangiectasia; Ataxia-telangiectasia, complementation group D; AT, COMPLEMENTATION GROUP C; Ataxia-telangiectasia, complementation group E; Ataxia-telangiectasia. Identifiers: Orphanet 100, MedGen C0004135, MONDO:0008840, OMIM 208900.

Submissions (4):

Labcorp Genetics (formerly Invitae), Labcorp
Classification: Uncertain significance for Ataxia-telangiectasia syndrome. Last evaluated: 2025-12-24. Review status: criteria provided, single submitter. Criteria: Invitae Variant Classification Sherloc (09022015). Collection method: clinical testing. Allele origin: germline.
Comment: This sequence change replaces methionine, which is neutral and non-polar, with leucine, which is neutral and non-polar, at codon 847 of the ATM protein (p.Met847Leu). This variant is not present in population databases (gnomAD no frequency). This variant has not been reported in the literature in individuals affected with ATM-related conditions. ClinVar contains an entry for this variant (Variation ID: 231957). Invitae Evidence Modeling of protein sequence and biophysical properties (such as structural, functional, and spatial information, amino acid conservation, physicochemical variation, residue mobility, and thermodynamic stability) indicates that this missense variant is not expected to disrupt ATM protein function with a negative predictive value of 95%. In summary, the available evidence is currently insufficient to determine the role of this variant in disease. Therefore, it has been classified as a Variant of Uncertain Significance.

CeGaT Center for Human Genetics Tuebingen
Classification: Uncertain significance. Last evaluated: 2025-03-01. Review status: criteria provided, single submitter. Criteria: CeGaT Center For Human Genetics Tuebingen Variant Classification Criteria Version 2. Collection method: clinical testing. Allele origin: germline. Affected: yes. Observed: 1 variant allele.
Comment: ATM: PM2, BP4

Color Diagnostics, LLC DBA Color Health
Classification: Uncertain significance for Hereditary cancer-predisposing syndrome. Last evaluated: 2024-09-13. Review status: criteria provided, single submitter. Criteria: ACMG Guidelines, 2015. Collection method: clinical testing. Allele origin: germline.
Comment: This missense variant replaces methionine with leucine at codon 847 of the ATM protein. Computational prediction suggests that this variant may not impact protein structure and function. To our knowledge, functional studies have not been reported for this variant. This variant has not been reported in individuals affected with ATM-related disorders in the literature. This variant has not been identified in the general population by the Genome Aggregation Database (gnomAD). The available evidence is insufficient to determine the role of this variant in disease conclusively. Therefore, this variant is classified as a Variant of Uncertain Significance.

Ambry Genetics
Classification: Likely benign for Hereditary cancer-predisposing syndrome. Last evaluated: 2023-12-18. Review status: criteria provided, single submitter. Criteria: Ambry Variant Classification Scheme 2023. Collection method: clinical testing. Allele origin: germline.

NM_000051.4(ATM):c.2539A>T (p.Met847Leu)

Gene: ATM (ATM serine/threonine kinase; plus strand). Cytogenetic location: 11q22.3.
Variant type: single nucleotide variant.
Coding change: c.2539A>T on transcript NM_000051.4 (MANE Select); coding-DNA position 2539, A replaced by T.
Protein change: p.Met847Leu; replaces methionine 847 with leucine.
Molecular consequence: missense variant.
Genome position (GRCh38, 1-based): chr11:108,267,243, A>T. VCF-style: chr11-108267243-A-T. GRCh37 (hg19) VCF-style: chr11-108137970-A-T.
Other names: c.2539A>T, p.Met847Leu (NM_001351834.2); short protein forms M847L.
Identifiers: ClinVar variation 231957 (VCV000231957.22), dbSNP rs587779823, ClinGen allele CA10579059.